The following is an entry in ClinVar:

ClinVar aggregate classification (germline): Pathogenic (1 of 4 stars; one submission).

Conditions:
Primary ciliary dyskinesia 3. Identifiers: Orphanet 244, MedGen C1837618, MONDO:0012085, OMIM 608644.

Submission:

Myriad Genetics, Inc.
Classification: Pathogenic for Primary ciliary dyskinesia 3. Last evaluated: 2024-05-14. Review status: criteria provided, single submitter. Criteria: Myriad Autosomal Dominant, Autosomal Recessive and X-Linked Classification Criteria (2023). Collection method: clinical testing. Allele origin: unknown.
Comment: NM_001369.2(DNAH5):c.6349dupG(V2117Gfs*5) is expected to be pathogenic in the context of primary ciliary dyskinesia, DNAH5-related. This variant is predicted to lead to an abnormal or absent protein product due to the creation of a premature termination codon in DNAH5, a gene where loss-of-function variants are known to be pathogenic. Please note: this variant was assessed in the context of healthy population screening.

NM_001369.3(DNAH5):c.6349dup (p.Val2117fs)

Gene: DNAH5 (dynein axonemal heavy chain 5; minus strand). Cytogenetic location: 5p15.2.
Variant type: Duplication.
Coding change: c.6349dup on transcript NM_001369.3 (MANE Select); coding-DNA position 6349, one base duplicated (G; older notation c.6349dupG).
Protein change: p.Val2117fs; shifts the reading frame from valine 2117.
Molecular consequence: frameshift variant.
Genome position (GRCh38, 1-based): chr5:13,829,605, C duplicated on the plus strand (G on the coding strand, the reverse complement: DNAH5 is on the minus strand); the first of 3 consecutive C bases (chr5:13,829,605-13,829,607); duplicating any one gives the same sequence. VCF-style (leftmost placement, unchanged base first): chr5-13829604-A-AC. GRCh37 (hg19) VCF-style: chr5-13829713-A-AC.
Other names: short protein forms V2117fs.
Identifiers: ClinVar variation 5010600 (VCV005010600.1).